The following is an entry in ClinVar:

NM_001142800.2(EYS):c.977G>A (p.Ser326Asn)

Gene: EYS (EGF-like photoreceptor maintenance factor; minus strand). Cytogenetic location: 6q12.
Variant type: single nucleotide variant.
Coding change: c.977G>A on transcript NM_001142800.2 (MANE Select); coding-DNA position 977, G replaced by A.
Protein change: p.Ser326Asn; replaces serine 326 with asparagine.
Molecular consequence: missense variant.
Genome position (GRCh38, 1-based): chr6:65,405,253, C>T on the plus strand (G>A on the coding strand, the complement: EYS is on the minus strand). VCF-style: chr6-65405253-C-T. GRCh37 (hg19) VCF-style: chr6-66115146-C-T.
Other names: c.977G>A, p.Ser326Asn (NM_001142801.2, NM_001292009.2, NM_198283.2); short protein forms S326N.
Identifiers: ClinVar variation 438211 (VCV000438211.70), dbSNP rs112822256, ClinGen allele CA3877908.

ClinVar aggregate classification (germline): Conflicting classifications of pathogenicity. Review status: criteria provided, conflicting classifications (1 of 4 stars). 15 submissions from 15 submitters: Uncertain significance (2); Benign (1); Likely benign (6). 6 of the submissions do not count toward it. Last evaluated 2026-07-01.

Conditions:
Retinal dystrophy. Also called: Inherited retinal dystrophy. Identifiers: Orphanet 71862, MedGen C0854723, MeSH D058499, MONDO:0019118, HP:0000556.
Autosomal recessive retinitis pigmentosa. Identifiers: MedGen C0339526.
EYS-related disorder. Also called: EYS-related condition.
Retinitis pigmentosa (RP). Identifiers: Orphanet 791, MedGen C0035334, MeSH D012174, MONDO:0019200, OMIM 268000. Inheritance: Autosomal dominant, autosomal recessive and X linked inheritance.
Retinitis pigmentosa 25 (RP25). Identifiers: Orphanet 791, MedGen C1864446, MONDO:0011272, OMIM 602772.

Allele frequency attached by ClinVar (database versions not stated): gnomAD exomes 0.00126 and 0.00177; ExAC 0.00185; 1000 Genomes Project 30x 0.00203; 1000 Genomes Project 0.00220; ESP Exome Variant Server 0.00292; gnomAD 0.00350 and 0.00379; TOPMed 0.00406.
gnomAD v4.1: 2,466 of 1,613,202 alleles (0.15%); highest among the groups gnomAD compares: Middle Eastern, 1.1%; 9 homozygotes.

Submissions (15):

CeGaT Center for Human Genetics Tuebingen
Classification: Likely benign. Last evaluated: 2026-07-01. Review status: criteria provided, single submitter. Criteria: CeGaT Center For Human Genetics Tuebingen Variant Classification Criteria Version 2. Collection method: clinical testing. Allele origin: germline. Affected: yes. Observed: 9 variant alleles.
Comment: EYS: BP4

Women's Health and Genetics/Laboratory Corporation of America, LabCorp
Classification: Likely benign. Last evaluated: 2026-02-02. Review status: criteria provided, single submitter. Criteria: LabCorp Variant Classification Summary - May 2015. Collection method: clinical testing. Allele origin: germline.
Comment: Variant summary: EYS c.977G>A (p.Ser326Asn) results in a conservative amino acid change located in the EGF-like domain (IPR000742) of the encoded protein sequence. Algorithms developed to predict the effect of missense changes on protein structure and function all suggest that this variant is likely to be tolerated. The variant allele was found at a frequency of 0.0018 in 250760 control chromosomes, predominantly at a frequency of 0.0082 within the African or African-American subpopulation in the gnomAD database. The observed variant frequency within African or African-American control individuals in the gnomAD database exceeds the estimated maximal expected allele frequency for disease-causing variants in EYS. c.977G>A has been reported in the literature in individuals affected with Retinitis Pigmentosa (Audo_2010, Wang_2014, El Shamieh_2015, Dieiro_2020). These reports do not provide unequivocal conclusions about association of the variant with Retinitis Pigmentosa. To our knowledge, no experimental evidence demonstrating an impact on protein function has been reported. The following publications have been ascertained in the context of this evaluation (PMID: 20333770, 32483926, 25692139, 32581362, 25097241).ClinVar contains an entry for this variant (Variation ID: 438211). Based on the evidence outlined above, the variant was classified as likely benign.

Labcorp Genetics (formerly Invitae), Labcorp
Classification: Likely benign. Last evaluated: 2026-01-26. Review status: criteria provided, single submitter. Criteria: Invitae Variant Classification Sherloc (09022015). Collection method: clinical testing. Allele origin: germline.

Blueprint Genetics
Classification: Likely benign. Last evaluated: 2024-11-25. Review status: criteria provided, single submitter. Criteria: ACMG Guidelines, 2015. Collection method: clinical testing. Allele origin: germline.

Institute of Human Genetics, Univ. Regensburg, Univ. Regensburg
Classification: Uncertain significance for Retinal dystrophy. Last evaluated: 2022-01-01. Review status: criteria provided, single submitter. Criteria: ACMG Guidelines, 2015. Collection method: clinical testing. Allele origin: germline. Affected: yes.

Department of Pathology and Laboratory Medicine, Sinai Health System
Classification: Likely benign for Retinitis pigmentosa 25. Last evaluated: 2020-05-24. Review status: criteria provided, single submitter. Criteria: ACMG Guidelines, 2015. Collection method: research. Allele origin: germline.

Illumina Laboratory Services, Illumina
Classification: Uncertain significance for Retinitis pigmentosa. Last evaluated: 2018-01-12. Review status: criteria provided, single submitter. Criteria: ICSL Variant Classification Criteria 13 December 2019. Collection method: clinical testing. Allele origin: germline.

Clinical Genetics DNA and cytogenetics Diagnostics Lab, Erasmus MC, Erasmus Medical Center
Classification: Likely benign for Retinitis pigmentosa 25. Last evaluated: 2017-06-23. Review status: criteria provided, single submitter. Criteria: ACGS Guidelines, 2013. Collection method: clinical testing. Allele origin: germline. Affected: yes. Study: VKGL Data-share Consensus.

GeneDx
Classification: Benign. Last evaluated: 2015-03-03. Review status: criteria provided, single submitter. Criteria: GeneDx Variant Classification Process June 2021. Collection method: clinical testing. Allele origin: germline. Affected: yes.
Comment: This variant is associated with the following publications: (PMID: 32581362, 28041643)

PreventionGenetics, part of Exact Sciences
Classification: Benign for EYS-related condition. Last evaluated: 2024-09-18. Review status: no assertion criteria provided. Collection method: clinical testing. Allele origin: germline. Not counted in ClinVar's aggregate classification.
Comment: This variant is classified as benign based on ACMG/AMP sequence variant interpretation guidelines (Richards et al. 2015 PMID: 25741868, with internal and published modifications).

Natera, Inc.
Classification: Uncertain significance for Autosomal recessive retinitis pigmentosa. Last evaluated: 2020-06-17. Review status: no assertion criteria provided. Collection method: clinical testing. Allele origin: germline. Not counted in ClinVar's aggregate classification.

Department of Clinical Genetics, Copenhagen University Hospital, Rigshospitalet
Classification: Uncertain significance for Retinitis pigmentosa. Last evaluated: 2018-04-01. Review status: no assertion criteria provided. Collection method: research. Allele origin: unknown. Affected: yes. Study: VeluxRD. Not counted in ClinVar's aggregate classification.

Counsyl
Classification: Uncertain significance for Retinitis pigmentosa 25. Last evaluated: 2017-10-18. Review status: no assertion criteria provided. Collection method: clinical testing. Allele origin: unknown. Not counted in ClinVar's aggregate classification.

NIHR Bioresource Rare Diseases, University of Cambridge
Classification: Likely pathogenic for Retinitis pigmentosa. Last evaluated: 2015-01-01. Review status: no assertion criteria provided. Collection method: research. Allele origin: unknown. Affected: yes. Observed: 1 variant allele. Not counted in ClinVar's aggregate classification.

Clinical Genetics, Academic Medical Center
Classification: Benign. Review status: no assertion criteria provided. Collection method: clinical testing. Allele origin: germline. Affected: yes. Study: VKGL Data-share Consensus. Not counted in ClinVar's aggregate classification.

Literature cited by the submitters: PubMed 25097241 (cited by Women's Health and Genetics/Laboratory Corporation of America, LabCorp and Counsyl); PubMed 32581362 (cited by Women's Health and Genetics/Laboratory Corporation of America, LabCorp and Institute of Human Genetics, Univ. Regensburg, Univ. Regensburg); PubMed 20333770 (cited by Women's Health and Genetics/Laboratory Corporation of America, LabCorp and Counsyl); PubMed 25692139 (cited by Women's Health and Genetics/Laboratory Corporation of America, LabCorp and Counsyl); PubMed 32483926 (cited by Women's Health and Genetics/Laboratory Corporation of America, LabCorp and Institute of Human Genetics, Univ. Regensburg, Univ. Regensburg); PubMed 28041643 (cited by 3 submitters); PubMed 34426522 (cited by Institute of Human Genetics, Univ. Regensburg, Univ. Regensburg); PubMed 30718709 (cited by Department of Clinical Genetics, Copenhagen University Hospital, Rigshospitalet); PubMed 20537394 (cited by Counsyl).